The following is an entry in ClinVar:

NM_000548.5(TSC2):c.481+10A>G

Gene: TSC2 (TSC complex subunit 2; plus strand). Cytogenetic location: 16p13.3.
Variant type: single nucleotide variant.
Coding change: c.481+10A>G on transcript NM_000548.5 (MANE Select); 10 bases into the intron after coding-DNA position 481, A replaced by G.
Molecular consequence: intron variant.
Genome position (GRCh38, 1-based): chr16:2,054,450, A>G. VCF-style: chr16-2054450-A-G. GRCh37 (hg19) VCF-style: chr16-2104451-A-G.
Other names: c.481+10A>G (NM_001114382.3, NM_021055.3, NM_001370405.1 and 3 more transcripts); c.370+10A>G (NM_001318827.2); c.-1-1746A>G (NM_001318831.2); c.334+10A>G (NM_001318829.2); c.514+10A>G (NM_001318832.2).
Identifiers: ClinVar variation 765363 (VCV000765363.11), dbSNP rs1196443311, ClinGen allele CA718905212.

ClinVar aggregate classification (germline): Likely benign. Review status: criteria provided, multiple submitters, no conflicts (2 of 4 stars). 2 submissions from 2 submitters: Likely benign (2). Last evaluated 2025-08-17.

Conditions:
Tuberous sclerosis 2 (TSC2). Identifiers: Orphanet 805, MedGen C1860707, MONDO:0013199, OMIM 613254.

Allele frequency attached by ClinVar (database versions not stated): TOPMed below 0.00001; gnomAD 0.00001.
gnomAD v4.1: 1 of 1,613,948 alleles (0.000062%); highest among the groups gnomAD compares: Non-Finnish European, 0.000085%; no homozygotes.

Submissions (2):

Labcorp Genetics (formerly Invitae), Labcorp
Classification: Likely benign for Tuberous sclerosis 2. Last evaluated: 2025-08-17. Review status: criteria provided, single submitter. Criteria: Invitae Variant Classification Sherloc (09022015). Collection method: clinical testing. Allele origin: germline.

Myriad Genetics, Inc.
Classification: Likely benign for Tuberous sclerosis 2. Last evaluated: 2025-05-05. Review status: criteria provided, single submitter. Criteria: Myriad Autosomal Dominant, Autosomal Recessive and X-Linked Classification Criteria (2023). Collection method: clinical testing. Allele origin: unknown.
Comment: This variant is considered likely benign. This variant is intronic and is not expected to impact mRNA splicing.